The following is an entry in ClinVar:

ClinVar aggregate classification (germline): Uncertain significance (1 of 4 stars; one submission).

Allele frequency attached by ClinVar (database versions not stated): gnomAD exomes below 0.00001 and 0.00001; ExAC 0.00003; TOPMed 0.00005; gnomAD 0.00006; ESP Exome Variant Server 0.00015.
gnomAD v4.1: 13 of 1,613,222 alleles (0.00081%); highest among the groups gnomAD compares: African/African-American, 0.012%; no homozygotes.

Submission:

Labcorp Genetics (formerly Invitae), Labcorp
Classification: Uncertain significance. Last evaluated: 2024-07-16. Review status: criteria provided, single submitter. Criteria: Invitae Variant Classification Sherloc (09022015). Collection method: clinical testing. Allele origin: germline.
Comment: This sequence change replaces lysine, which is basic and polar, with arginine, which is basic and polar, at codon 52 of the CAPN5 protein (p.Lys52Arg). This variant is present in population databases (rs138015917, gnomAD 0.02%). This variant has not been reported in the literature in individuals affected with CAPN5-related conditions. ClinVar contains an entry for this variant (Variation ID: 1413870). Advanced modeling of protein sequence and biophysical properties (such as structural, functional, and spatial information, amino acid conservation, physicochemical variation, residue mobility, and thermodynamic stability) performed at Invitae indicates that this missense variant is not expected to disrupt CAPN5 protein function with a negative predictive value of 80%. In summary, the available evidence is currently insufficient to determine the role of this variant in disease. Therefore, it has been classified as a Variant of Uncertain Significance.

NM_004055.5(CAPN5):c.155A>G (p.Lys52Arg)

Gene: CAPN5 (calpain 5; plus strand). Cytogenetic location: 11q13.5.
Variant type: single nucleotide variant.
Coding change: c.155A>G on transcript NM_004055.5 (MANE Select); coding-DNA position 155, A replaced by G.
Protein change: p.Lys52Arg; replaces lysine 52 with arginine.
Molecular consequence: missense variant.
Genome position (GRCh38, 1-based): chr11:77,085,041, A>G. VCF-style: chr11-77085041-A-G. GRCh37 (hg19) VCF-style: chr11-76796087-A-G.
Other names: short protein forms K52R.
Identifiers: ClinVar variation 1413870 (VCV001413870.6), dbSNP rs138015917, ClinGen allele CA6196135.